The following is an entry in ClinVar:

NM_000135.4(FANCA):c.1441G>A (p.Val481Met)

Gene: FANCA (FA complementation group A; minus strand). Cytogenetic location: 16q24.3.
Variant type: single nucleotide variant.
Coding change: c.1441G>A on transcript NM_000135.4 (MANE Select); coding-DNA position 1441, G replaced by A.
Protein change: p.Val481Met; replaces valine 481 with methionine.
Molecular consequence: missense variant.
Genome position (GRCh38, 1-based): chr16:89,784,883, C>T on the plus strand (G>A on the coding strand, the complement: FANCA is on the minus strand). VCF-style: chr16-89784883-C-T. GRCh37 (hg19) VCF-style: chr16-89851291-C-T.
Other names: c.1441G>A, p.Val481Met (NM_001286167.3); short protein forms V481M.
Identifiers: ClinVar variation 2197211 (VCV002197211.4), dbSNP rs1158850217, ClinGen allele CA397459743.
Genomic context (GRCh38, chr16:89,784,883, plus strand): 5'-GAAATCATGGATGTGGCAGCCAGCTTCTCACCTGCAGGTACCGGGGAGACTCAAAAGGCA[C>T]GAGTTCTGACAAGAACGTAAACAGGAAGACCAGGGCCTTCTTGCTGCAGCCATGGTAGCC-3'
Protein context (NP_000126.2, residues 471-491): VFLFTFLSEL[Val481Met]PFESPRYLQV

ClinVar aggregate classification (germline): Uncertain significance. Review status: criteria provided, multiple submitters, no conflicts (2 of 4 stars). 2 submissions from 2 submitters: Uncertain significance (2). Last evaluated 2024-12-08.

Conditions:
Inborn genetic diseases. Identifiers: MedGen C0950123, MeSH D030342.
Fanconi anemia (FA). Also called: Fanconi's anemia. Identifiers: Orphanet 84, MedGen C0015625, MeSH D005199, MONDO:0019391.

Allele frequency attached by ClinVar (database versions not stated): gnomAD 0.00001; TOPMed 0.00001.

Submissions (2):

Ambry Genetics
Classification: Uncertain significance for Inborn genetic diseases. Last evaluated: 2024-12-08. Review status: criteria provided, single submitter. Criteria: Ambry Variant Classification Scheme 2023. Collection method: clinical testing. Allele origin: germline.
Comment: The p.V481M variant (also known as c.1441G>A), located in coding exon 15 of the FANCA gene, results from a G to A substitution at nucleotide position 1441. The valine at codon 481 is replaced by methionine, an amino acid with highly similar properties. This amino acid position is conserved. In addition, this alteration is predicted to be deleterious by in silico analysis. Based on the available evidence, the clinical significance of this variant remains unclear.

Labcorp Genetics (formerly Invitae), Labcorp
Classification: Uncertain significance for Fanconi anemia. Last evaluated: 2024-11-04. Review status: criteria provided, single submitter. Criteria: Invitae Variant Classification Sherloc (09022015). Collection method: clinical testing. Allele origin: germline.
Comment: This sequence change replaces valine, which is neutral and non-polar, with methionine, which is neutral and non-polar, at codon 481 of the FANCA protein (p.Val481Met). This variant is present in population databases (no rsID available, gnomAD 0.003%). This variant has not been reported in the literature in individuals affected with FANCA-related conditions. ClinVar contains an entry for this variant (Variation ID: 2197211). Invitae Evidence Modeling of protein sequence and biophysical properties (such as structural, functional, and spatial information, amino acid conservation, physicochemical variation, residue mobility, and thermodynamic stability) has been performed for this missense variant. However, the output from this modeling did not meet the statistical confidence thresholds required to predict the impact of this variant on FANCA protein function. In summary, the available evidence is currently insufficient to determine the role of this variant in disease. Therefore, it has been classified as a Variant of Uncertain Significance.